The following is an entry in ClinVar:

NM_001164277.2(SLC37A4):c.539C>G (p.Ser180Cys)

Gene: SLC37A4 (solute carrier family 37 member 4; minus strand). Cytogenetic location: 11q23.3.
Variant type: single nucleotide variant.
Coding change: c.539C>G on transcript NM_001164277.2 (MANE Select); coding-DNA position 539, C replaced by G.
Protein change: p.Ser180Cys; replaces serine 180 with cysteine.
Molecular consequence: missense variant.
Genome position (GRCh38, 1-based): chr11:119,027,714, G>C on the plus strand (C>G on the coding strand, the complement: SLC37A4 is on the minus strand). VCF-style: chr11-119027714-G-C. GRCh37 (hg19) VCF-style: chr11-118898424-G-C.
Other names: c.539C>G, p.Ser180Cys (NM_001164278.2, NM_001164280.2, NM_001467.6); c.320C>G, p.Ser107Cys (NM_001164279.2); short protein forms S107C, S180C.
Identifiers: ClinVar variation 650813 (VCV000650813.6), dbSNP rs374991345, ClinGen allele CA229599004.

ClinVar aggregate classification (germline): Uncertain significance. Review status: criteria provided, single submitter (1 of 4 stars). 2 submissions from 2 submitters: Uncertain significance (1). 1 of the submissions does not count toward it. Last evaluated 2022-02-04.

Conditions:
Glucose-6-phosphate transport defect (GSD1B). Also called: GSD Ib; Glycogen Storage Disease Type Ib. Identifiers: Orphanet 364, Orphanet 79259, MedGen C0268146, MONDO:0009288, OMIM 232220.

Allele frequency attached by ClinVar (database versions not stated): gnomAD exomes below 0.00001 and 0.00001; TOPMed 0.00004; ESP Exome Variant Server 0.00008; gnomAD 0.02917 and 0.03070.

Submissions (2):

Labcorp Genetics (formerly Invitae), Labcorp
Classification: Uncertain significance for Glucose-6-phosphate transport defect. Last evaluated: 2022-02-04. Review status: criteria provided, single submitter. Criteria: Invitae Variant Classification Sherloc (09022015). Collection method: clinical testing. Allele origin: germline.
Comment: This sequence change replaces serine, which is neutral and polar, with cysteine, which is neutral and slightly polar, at codon 180 of the SLC37A4 protein (p.Ser180Cys). This variant is present in population databases (rs374991345, gnomAD 0.03%). This variant has not been reported in the literature in individuals affected with SLC37A4-related conditions. ClinVar contains an entry for this variant (Variation ID: 650813). In summary, the available evidence is currently insufficient to determine the role of this variant in disease. Therefore, it has been classified as a Variant of Uncertain Significance.

Natera, Inc.
Classification: Uncertain significance for Glycogen storage disease type Ib. Last evaluated: 2021-05-27. Review status: no assertion criteria provided. Collection method: clinical testing. Allele origin: germline. Not counted in ClinVar's aggregate classification.